The following is an entry in ClinVar:

ClinVar aggregate classification (germline): Uncertain significance (1 of 4 stars; one submission).

Conditions:
Joubert syndrome. Also called: CEREBELLOPARENCHYMAL DISORDER IV; JOUBERT-BOLTSHAUSER SYNDROME; Familial aplasia of the vermis. Identifiers: Orphanet 475, MedGen C5979921, MONDO:0018772.

Submission:

Labcorp Genetics (formerly Invitae), Labcorp
Classification: Uncertain significance for Joubert syndrome. Last evaluated: 2023-09-19. Review status: criteria provided, single submitter. Criteria: Invitae Variant Classification Sherloc (09022015). Collection method: clinical testing. Allele origin: germline.
Comment: This sequence change replaces proline, which is neutral and non-polar, with leucine, which is neutral and non-polar, at codon 324 of the INPP5E protein (p.Pro324Leu). Information on the frequency of this variant in the gnomAD database is not available, as this variant may be reported differently in the database. This missense change has been observed in individual(s) with clinical features of Joubert syndrome (Invitae). In at least one individual the data is consistent with being in trans (on the opposite chromosome) from a pathogenic variant. An algorithm developed to predict the effect of missense changes on protein structure and function (PolyPhen-2) suggests that this variant is likely to be disruptive. In summary, the available evidence is currently insufficient to determine the role of this variant in disease. Therefore, it has been classified as a Variant of Uncertain Significance.

NM_019892.6(INPP5E):c.971_972inv (p.Pro324Leu)

Gene: INPP5E (inositol polyphosphate-5-phosphatase E; minus strand). Cytogenetic location: 9q34.3.
Variant type: Inversion.
Coding change: c.971_972inv on transcript NM_019892.6 (MANE Select).
Protein change: p.Pro324Leu; replaces proline 324 with leucine.
Molecular consequence: missense variant.
Genome position: GRCh38 VCF-style: chr9-136434099-TG-CA. GRCh37 (hg19) VCF-style: chr9-139328551-TG-CA.
Other names: c.971_972inv, p.Pro324Leu (NM_001318502.2); short protein forms P324L.
Identifiers: ClinVar variation 2700280 (VCV002700280.3), ClinGen allele CA2697558210.